The following is an entry in ClinVar:

ClinVar aggregate classification (germline): Uncertain significance (1 of 4 stars; one submission).

Allele frequency attached by ClinVar (database versions not stated): ExAC 0.00001; gnomAD exomes 0.00001; gnomAD 0.00003; TOPMed 0.00003; 1000 Genomes Project 30x 0.00016; 1000 Genomes Project 0.00020.

Submission:

Labcorp Genetics (formerly Invitae), Labcorp
Classification: Uncertain significance. Last evaluated: 2022-06-24. Review status: criteria provided, single submitter. Criteria: Invitae Variant Classification Sherloc (09022015). Collection method: clinical testing. Allele origin: germline.
Comment: This sequence change replaces proline, which is neutral and non-polar, with serine, which is neutral and polar, at codon 54 of the PYCR1 protein (p.Pro54Ser). This variant is present in population databases (rs532001120, gnomAD 0.009%). This variant has not been reported in the literature in individuals affected with PYCR1-related conditions. Algorithms developed to predict the effect of missense changes on protein structure and function output the following: SIFT: "Tolerated"; PolyPhen-2: "Benign"; Align-GVGD: "Class C0". The serine amino acid residue is found in multiple mammalian species, which suggests that this missense change does not adversely affect protein function. In summary, the available evidence is currently insufficient to determine the role of this variant in disease. Therefore, it has been classified as a Variant of Uncertain Significance.

NM_006907.4(PYCR1):c.160C>T (p.Pro54Ser)

Gene: PYCR1 (pyrroline-5-carboxylate reductase 1; minus strand). Cytogenetic location: 17q25.3.
Variant type: single nucleotide variant.
Coding change: c.160C>T on transcript NM_006907.4 (MANE Select); coding-DNA position 160, C replaced by T.
Protein change: p.Pro54Ser; replaces proline 54 with serine.
Molecular consequence: missense variant.
Genome position (GRCh38, 1-based): chr17:81,935,495, G>A on the plus strand (C>T on the coding strand, the complement: PYCR1 is on the minus strand). VCF-style: chr17-81935495-G-A. GRCh37 (hg19) VCF-style: chr17-79893371-G-A.
Other names: c.160C>T, p.Pro54Ser (NM_001282279.2, NM_001282280.2, NM_001330523.2 and 1 more transcripts); c.241C>T, p.Pro81Ser (NM_001282281.2); short protein forms P54S, P81S.
Identifiers: ClinVar variation 2417537 (VCV002417537.5), dbSNP rs532001120, ClinGen allele CA8845539.